The following is an entry in ClinVar:

ClinVar aggregate classification (germline): Uncertain significance (1 of 4 stars; one submission).

Submission:

GeneDx
Classification: Uncertain significance. Last evaluated: 2016-12-16. Review status: criteria provided, single submitter. Criteria: GeneDx Variant Classification (06012015). Collection method: clinical testing. Allele origin: germline. Affected: yes.
Comment: The A141S variant in the GAN gene has not been reported previously as a pathogenic variant, nor as a benign variant, to our knowledge. The A141S variant was not observed in approximately 6500 individuals of European and African American ancestry in the NHLBI Exome Sequencing Project, indicating it is not a common benign variant in these populations. The A141S variant is a non-conservative amino acid substitution, which is likely to impact secondary protein structure as these residues differ in polarity, charge, size and/or other properties. This substitution occurs at a position that is conserved in mammals. However, in silico analysis is inconsistent in its predictions as to whether or not the variant is damaging to the protein structure/function. We interpret A141S as a variant of uncertain significance.

NM_022041.4(GAN):c.421G>T (p.Ala141Ser)

Gene: GAN (gigaxonin; plus strand). Cytogenetic location: 16q23.2.
Variant type: single nucleotide variant.
Coding change: c.421G>T on transcript NM_022041.4 (MANE Select); coding-DNA position 421, G replaced by T.
Protein change: p.Ala141Ser; replaces alanine 141 with serine.
Molecular consequence: missense variant. On other transcripts: 5 prime UTR variant (1).
Genome position (GRCh38, 1-based): chr16:81,354,543, G>T. VCF-style: chr16-81354543-G-T. GRCh37 (hg19) VCF-style: chr16-81388148-G-T.
Other names: c.-219G>T (NM_001377486.1); short protein forms A141S.
Identifiers: ClinVar variation 391830 (VCV000391830.2), dbSNP rs1057524254, ClinGen allele CA16608290.